The following is an entry in ClinVar:

ClinVar aggregate classification (germline): Pathogenic. Review status: criteria provided, multiple submitters, no conflicts (2 of 4 stars). 2 submissions from 2 submitters: Pathogenic (2). Last evaluated 2025-04-14.

Conditions:
Idiopathic basal ganglia calcification 1 (PFBC1A). Also called: Familial Idiopathic Basal Ganglia Calcification 3; Primary Familial Brain Calcification; Fahr's syndrome; PRIMARY FAMILIAL BRAIN CALCIFICATION 1A, AUTOSOMAL DOMINANT; Cerebral calcification nonarteriosclerotic idiopathic adult-onset; Striopallidodentate calcinosis autosomal dominant adult-onset. Identifiers: Orphanet 1980, MedGen C4551624, MONDO:0024538, OMIM 213600.

Submissions (2):

Labcorp Genetics (formerly Invitae), Labcorp
Classification: Pathogenic. Last evaluated: 2025-04-14. Review status: criteria provided, single submitter. Criteria: Invitae Variant Classification Sherloc (09022015). Collection method: clinical testing. Allele origin: germline.
Comment: This sequence change creates a premature translational stop signal (p.Glu459*) in the SLC20A2 gene. It is expected to result in an absent or disrupted protein product. Loss-of-function variants in SLC20A2 are known to be pathogenic (PMID: 23334463). This variant is not present in population databases (gnomAD no frequency). This premature translational stop signal has been observed in individual(s) with SLC20A2-related conditions (PMID: 37547187). ClinVar contains an entry for this variant (Variation ID: 584447). For these reasons, this variant has been classified as Pathogenic.

Undiagnosed Diseases Network, NIH
Classification: Pathogenic for Idiopathic basal ganglia calcification 1. Last evaluated: 2018-05-18. Review status: criteria provided, single submitter. Criteria: ACMG Guidelines, 2015. Collection method: clinical testing. Allele origin: maternal. Inheritance: Autosomal dominant inheritance. Affected: yes. Observed: 1 variant allele, 1 heterozygote. Study: Undiagnosed Diseases Network (NIH), UDN.

Literature cited by the submitters: PubMed 23334463 (cited by Labcorp Genetics (formerly Invitae), Labcorp); PubMed 37547187 (cited by Labcorp Genetics (formerly Invitae), Labcorp).

NM_001257180.2(SLC20A2):c.1375G>T (p.Glu459Ter)

Gene: SLC20A2 (solute carrier family 20 member 2; minus strand). Cytogenetic location: 8p11.21.
Variant type: single nucleotide variant.
Coding change: c.1375G>T on transcript NM_001257180.2 (MANE Select); coding-DNA position 1375, G replaced by T.
Protein change: p.Glu459Ter; replaces glutamic acid 459 with a stop codon.
Molecular consequence: nonsense.
Genome position (GRCh38, 1-based): chr8:42,437,137, C>A on the plus strand (G>T on the coding strand, the complement: SLC20A2 is on the minus strand). VCF-style: chr8-42437137-C-A. GRCh37 (hg19) VCF-style: chr8-42294655-C-A.
Other names: c.1375G>T, p.Glu459Ter (NM_001257181.2, NM_006749.5); short protein forms E459*.
Identifiers: ClinVar variation 584447 (VCV000584447.4), dbSNP rs1563452941, ClinGen allele CA371096823.